The following is an entry in ClinVar:

ClinVar aggregate classification (germline): Likely benign. Review status: criteria provided, multiple submitters, no conflicts (2 of 4 stars). 4 submissions from 4 submitters: Likely benign (4). Last evaluated 2025-07-13.

Conditions:
Cardiomyopathy (CMYO). Also called: Cardiomyopathies. Identifiers: Orphanet 167848, MedGen C0878544, MONDO:0004994, HP:0001638. Inheritance: Various modes of inheritance.
Arrhythmogenic right ventricular dysplasia 5. Also called: Arrhythmogenic Right Ventricular Dysplasia/Cardiomyopathy 5; ARRHYTHMOGENIC RIGHT VENTRICULAR DYSPLASIA, FAMILIAL, 5. Identifiers: MedGen C1858379, MONDO:0011459, OMIM 604400.
Cardiovascular phenotype. Identifiers: MedGen CN230736.

Allele frequency attached by ClinVar (database versions not stated): ExAC 0.00001.
gnomAD v4.1: 36 of 1,611,500 alleles (0.0022%); highest among the groups gnomAD compares: Non-Finnish European, 0.0031%; no homozygotes.

Submissions (4):

Labcorp Genetics (formerly Invitae), Labcorp
Classification: Likely benign for Arrhythmogenic right ventricular dysplasia 5. Last evaluated: 2025-07-13. Review status: criteria provided, single submitter. Criteria: Invitae Variant Classification Sherloc (09022015). Collection method: clinical testing. Allele origin: germline.

Ambry Genetics
Classification: Likely benign for Cardiovascular phenotype. Last evaluated: 2024-11-05. Review status: criteria provided, single submitter. Criteria: Ambry Variant Classification Scheme 2023. Collection method: clinical testing. Allele origin: germline.

All of Us Research Program, National Institutes of Health
Classification: Likely benign for Arrhythmogenic right ventricular dysplasia 5. Last evaluated: 2024-09-13. Review status: criteria provided, single submitter. Criteria: ACMG Guidelines, 2015. Collection method: clinical testing. Allele origin: germline. Inheritance: Autosomal dominant inheritance. Observed: 2 variant alleles, 2 heterozygotes.
Comment: This study involves interpretation of variants in research participants for the purpose of population health screening. Participant phenotype was not available at the time of variant classification. Additional details can be found in publication PMID: 35346344, PMCID: PMC8962531

Color Diagnostics, LLC DBA Color Health
Classification: Likely benign for Cardiomyopathy. Last evaluated: 2024-07-15. Review status: criteria provided, single submitter. Criteria: ACMG Guidelines, 2015. Collection method: clinical testing. Allele origin: germline.

NM_024334.3(TMEM43):c.706-4C>G

Gene: TMEM43 (transmembrane protein 43; plus strand). Cytogenetic location: 3p25.1.
Variant type: single nucleotide variant.
Coding change: c.706-4C>G on transcript NM_024334.3 (MANE Select); 4 bases into the intron before coding-DNA position 706, C replaced by G.
Molecular consequence: intron variant.
Genome position (GRCh38, 1-based): chr3:14,135,154, C>G. VCF-style: chr3-14135154-C-G. GRCh37 (hg19) VCF-style: chr3-14176654-C-G.
Other names: c.706-4C>G (NM_024334.2).
Identifiers: ClinVar variation 1083636 (VCV001083636.14), dbSNP rs760936714, ClinGen allele CA055091.